The following is an entry in ClinVar:

ClinVar aggregate classification (germline): Likely benign (1 of 4 stars; one submission).

Submission:

CeGaT Center for Human Genetics Tuebingen
Classification: Likely benign. Last evaluated: 2025-10-01. Review status: criteria provided, single submitter. Criteria: CeGaT Center For Human Genetics Tuebingen Variant Classification Criteria Version 2. Collection method: clinical testing. Allele origin: germline. Affected: yes. Observed: 2 variant alleles.
Comment: IGFN1: BP4, BP7

NM_001164586.2(IGFN1):c.5391G>A (p.Lys1797=)

Gene: IGFN1 (immunoglobulin like and fibronectin type III domain containing 1; plus strand). Cytogenetic location: 1q32.1.
Variant type: single nucleotide variant.
Coding change: c.5391G>A on transcript NM_001164586.2 (MANE Select); coding-DNA position 5391, G replaced by A.
Protein change: p.Lys1797=; no amino-acid change (lysine 1797 retained).
Molecular consequence: synonymous variant. On other transcripts: intron variant (1).
Genome position (GRCh38, 1-based): chr1:201,210,284, G>A. VCF-style: chr1-201210284-G-A. GRCh37 (hg19) VCF-style: chr1-201179412-G-A.
Other names: c.1242-3222G>A (NM_001367841.1).
Identifiers: ClinVar variation 4084090 (VCV004084090.8).
Genomic context (GRCh38, chr1:201,210,284, plus strand): 5'-GGATGAGGCAGGTTATAGGAAGGATTTGTGGGCTCCTGAGGGAATAGGTTCAGGAAGTAA[G>A]GCAGGTTTTAGGGATGGTTTAGGGAGTTCTGTAGAAATGGGGTCAGTGAATGAGGCAGGT-3'
Protein context (NP_001158058.1, residues 1787-1807): WAPEGIGSGS[Lys1797=]AGFRDGLGSS